The following is an entry in ClinVar:

ClinVar aggregate classification (germline): Conflicting classifications of pathogenicity. Review status: criteria provided, conflicting classifications (1 of 4 stars). 9 submissions from 7 submitters: Uncertain significance (5); Likely benign (3). 1 of the submissions does not count toward it. Last evaluated 2026-01-25.

Conditions:
MYO7A-related disorder. Also called: MYO7A-related disorders.
Usher syndrome type 1 (USH1). Also called: RETINITIS PIGMENTOSA AND CONGENITAL DEAFNESS. Identifiers: Orphanet 231169, Orphanet 886, MedGen C1568247, MONDO:0010168, OMIM 276900.
Autosomal recessive nonsyndromic hearing loss 2. Also called: DEAFNESS, AUTOSOMAL RECESSIVE 2; NEUROSENSORY NONSYNDROMIC RECESSIVE DEAFNESS 2. Identifiers: Orphanet 90636, MedGen C1838701, MONDO:0010807, OMIM 600060.
Autosomal dominant nonsyndromic hearing loss 11. Identifiers: Orphanet 90635, MedGen C1832475, MONDO:0011032, OMIM 601317.

Allele frequency attached by ClinVar (database versions not stated): gnomAD below 0.00001 and 0.00004; TOPMed 0.00001; gnomAD exomes 0.00011 and 0.00030; ExAC 0.00090.
gnomAD v4.1: 154 of 1,551,642 alleles (0.0099%); highest among the groups gnomAD compares: South Asian, 0.17%; 1 homozygote.

Submissions (9):

Labcorp Genetics (formerly Invitae), Labcorp
Classification: Likely benign. Last evaluated: 2026-01-25. Review status: criteria provided, single submitter. Criteria: Invitae Variant Classification Sherloc (09022015). Collection method: clinical testing. Allele origin: germline.

PreventionGenetics, part of Exact Sciences
Classification: Likely benign for MYO7A-related condition. Last evaluated: 2025-02-10. Review status: criteria provided, single submitter. Criteria: ACMG Guidelines, 2015. Collection method: clinical testing. Allele origin: germline.
Comment: This variant is classified as likely benign based on ACMG/AMP sequence variant interpretation guidelines (Richards et al. 2015 PMID: 25741868, with internal and published modifications).

GeneDx
Classification: Uncertain significance. Last evaluated: 2024-07-09. Review status: criteria provided, single submitter. Criteria: GeneDx Variant Classification Process June 2021. Collection method: clinical testing. Allele origin: germline. Affected: yes.
Comment: In silico analysis supports that this missense variant has a deleterious effect on protein structure/function; This variant is associated with the following publications: (PMID: 22135276)

Department of Pathology and Laboratory Medicine, Sinai Health System
Classification: Uncertain significance for Usher syndrome type 1; Autosomal recessive nonsyndromic hearing loss 2; Autosomal dominant nonsyndromic hearing loss 11. Last evaluated: 2020-07-22. Review status: criteria provided, single submitter. Criteria: ACMG Guidelines, 2015. Collection method: research. Allele origin: germline.

Illumina Laboratory Services, Illumina
Classification: Uncertain significance for Autosomal recessive nonsyndromic hearing loss 2. Last evaluated: 2018-01-12. Review status: criteria provided, single submitter. Criteria: ICSL Variant Classification Criteria 13 December 2019. Collection method: clinical testing. Allele origin: germline.

Illumina Laboratory Services, Illumina
Classification: Likely benign for Autosomal dominant nonsyndromic hearing loss 11. Last evaluated: 2018-01-12. Review status: criteria provided, single submitter. Criteria: ICSL Variant Classification Criteria 13 December 2019. Collection method: clinical testing. Allele origin: germline.
Comment: This variant was observed in the ICSL laboratory as part of a predisposition screen in an ostensibly healthy population. It had not been previously curated by ICSL or reported in the Human Gene Mutation Database (HGMD: prior to June 1st, 2018), and was therefore a candidate for classification through an automated scoring system. Utilizing variant allele frequency, disease prevalence and penetrance estimates, and inheritance mode, an automated score was calculated to assess if this variant is too frequent to cause the disease. Based on the score and internal cut-off values, a variant classified as likely benign is not then subjected to further curation. The score for this variant resulted in a classification of likely benign for this disease.

Illumina Laboratory Services, Illumina
Classification: Uncertain significance for Usher syndrome type 1. Last evaluated: 2018-01-12. Review status: criteria provided, single submitter. Criteria: ICSL Variant Classification Criteria 13 December 2019. Collection method: clinical testing. Allele origin: germline.

Laboratory for Molecular Medicine, Mass General Brigham Personalized Medicine
Classification: Uncertain significance. Last evaluated: 2014-07-08. Review status: criteria provided, single submitter. Criteria: LMM Criteria. Collection method: clinical testing. Allele origin: germline. Observed: 1 variant allele.
Comment: The Lys515Gln variant in MYO7A has been reported in one Usher syndrome study whe re it was detected in 1/878 (0.1%) control chromosomes and was classified as a " probably neutral" variant (Le Quesne Stabej 2012). This variant was absent from other large population studies. Computational prediction tools and conservation analyses do not provide strong support for or against an impact to the protein. In summary, the clinical significance of the Lys515Gln variant is uncertain.

Counsyl
Classification: Uncertain significance for Usher syndrome type 1; Autosomal recessive nonsyndromic hearing loss 2. Last evaluated: 2017-01-11. Review status: no assertion criteria provided. Collection method: clinical testing. Allele origin: unknown. Not counted in ClinVar's aggregate classification.

Literature cited by the submitters: PubMed 22135276 (cited by Laboratory for Molecular Medicine, Mass General Brigham Personalized Medicine and Counsyl).

NM_000260.4(MYO7A):c.1543A>C (p.Lys515Gln)

Gene: MYO7A (myosin VIIA; plus strand). Cytogenetic location: 11q13.5.
Variant type: single nucleotide variant.
Coding change: c.1543A>C on transcript NM_000260.4 (MANE Select); coding-DNA position 1543, A replaced by C.
Protein change: p.Lys515Gln; replaces lysine 515 with glutamine.
Molecular consequence: missense variant.
Genome position (GRCh38, 1-based): chr11:77,162,319, A>C. VCF-style: chr11-77162319-A-C. GRCh37 (hg19) VCF-style: chr11-76873365-A-C.
Other names: c.1543A>C, p.Lys515Gln (NM_001127180.2); c.1510A>C, p.Lys504Gln (NM_001369365.1); short protein forms K515Q, K504Q.
Identifiers: ClinVar variation 179865 (VCV000179865.22), dbSNP rs782023308, ClinGen allele CA185300.